The following is an entry in ClinVar:

ClinVar aggregate classification (germline): Uncertain significance (1 of 4 stars; one submission).

Conditions:
Hereditary cancer-predisposing syndrome. Also called: Hereditary neoplastic syndrome; Neoplastic Syndromes, Hereditary; Tumor predisposition; Hereditary Cancer Syndrome. Identifiers: Orphanet 140162, MedGen C0027672, MeSH D009386, MONDO:0015356.

Submission:

Ambry Genetics
Classification: Uncertain significance for Hereditary cancer-predisposing syndrome. Last evaluated: 2025-02-14. Review status: criteria provided, single submitter. Criteria: Ambry Variant Classification Scheme 2023. Collection method: clinical testing. Allele origin: germline.
Comment: The c.398_399delAT variant, located in coding exon 1 of the HOXB13 gene, results from a deletion of two nucleotides at nucleotide positions 398 to 399, causing a translational frameshift with a predicted alternate stop codon (p.Y133Sfs*28). This alteration is expected to result in protein truncation or nonsense-mediated mRNA decay. However, loss of function of HOXB13 has not been established as a mechanism of disease. Based on the available evidence, the clinical significance of this alteration remains unclear.

NM_006361.6(HOXB13):c.398_399del (p.Tyr133fs)

Gene: HOXB13 (homeobox B13; minus strand). Cytogenetic location: 17q21.32.
Variant type: Microsatellite.
Coding change: c.398_399del on transcript NM_006361.6 (MANE Select); coding-DNA positions 398 to 399, 2 bases deleted (AT; older notation c.398_399delAT).
Protein change: p.Tyr133fs; shifts the reading frame from tyrosine 133.
Molecular consequence: frameshift variant.
Genome position (GRCh38, 1-based): chr17:48,728,195-48,728,196, AT deleted on the plus strand (AT on the coding strand, the reverse complement: HOXB13 is on the minus strand); deleting any 2 consecutive bases within chr17:48,728,195-48,728,198 gives the same sequence; the c. name uses the placement nearest the transcript's 3' end. VCF-style (leftmost placement, unchanged base first): chr17-48728194-GAT-G. GRCh37 (hg19) VCF-style: chr17-46805556-GAT-G.
Other names: c.398_399delAT (NM_006361.5); c.396_397AT[1], p.Tyr133Serfs (NM_006361.5); short protein forms Y133fs.
Identifiers: ClinVar variation 3858430 (VCV003858430.1).